The following is an entry in ClinVar:

ClinVar aggregate classification (germline): Uncertain significance. Review status: criteria provided, multiple submitters, no conflicts (2 of 4 stars). 3 submissions from 3 submitters: Uncertain significance (3). Last evaluated 2025-08-08.

Conditions:
Wilson-Turner syndrome (WTS). Also called: INTELLECTUAL DEVELOPMENTAL DISORDER, X-LINKED, SYNDROMIC, WILSON-TURNER TYPE; MENTAL RETARDATION, X-LINKED, SYNDROMIC 6. Identifiers: Orphanet 3459, MedGen C1839736, MONDO:0010665, OMIM 309585.

Allele frequency attached by ClinVar (database versions not stated): TOPMed 0.00001.

Submissions (3):

Ambry Genetics
Classification: Uncertain significance. Last evaluated: 2025-08-08. Review status: criteria provided, single submitter. Criteria: Ambry Variant Classification Scheme 2023. Collection method: clinical testing. Allele origin: germline.

Victorian Clinical Genetics Services, Murdoch Childrens Research Institute
Classification: Uncertain significance for Wilson-Turner syndrome. Last evaluated: 2024-10-10. Review status: criteria provided, single submitter. Criteria: ACMG Guidelines, 2015. Collection method: clinical testing. Allele origin: germline. Inheritance: X-linked recessive inheritance. Affected: yes.
Comment: Based on the classification scheme VCGS_Germline_v1.1.1, this variant is classified as 3C-VUS. Following criteria are met: 0102 - Loss-of-function is a known mechanism of disease for this gene. (N) 0109 - This gene is known to be associated with X-linked recessive disease. (N) 0200 - Variant is predicted to result in a missense amino acid change from aspartic acid to glutamine (exon 5). (N) 0253 - Variant is hemizygous. (N) 0304 - Variant is present in gnomAD (v2 and v3) <0.01 for a recessive condition (total allele: 1 heterozygote, 0 homozygotes, 1 hemizygote). (P) 0503 - Missense variant consistently predicted to be tolerated or not conserved in mammals with a minor amino acid change. (B) 0504 - Same amino acid change has been observed in mammals. (B) 0604 - Variant is not located in an established domain, motif, hotspot or informative constraint region. (N) 0705 - No comparable variants have previous evidence for pathogenicity. (N) 0807 - Variant has not previously been reported in a clinical context. (N) 0905 - No segregation evidence has been identified for this variant. (N) 1007 - No published functional evidence has been identified for this variant. (N) 1208 - Inheritance information for this variant is not currently available. (N) Legend: (P) - Pathogenic, (N) - Neutral, (B) - Benign

Labcorp Genetics (formerly Invitae), Labcorp
Classification: Uncertain significance for Wilson-Turner syndrome. Last evaluated: 2024-01-22. Review status: criteria provided, single submitter. Criteria: Invitae Variant Classification Sherloc (09022015). Collection method: clinical testing. Allele origin: germline.
Comment: This sequence change replaces aspartic acid, which is acidic and polar, with glutamic acid, which is acidic and polar, at codon 221 of the LAS1L protein (p.Asp221Glu). This variant is present in population databases (rs778389447, gnomAD 0.001%). This variant has not been reported in the literature in individuals affected with LAS1L-related conditions. ClinVar contains an entry for this variant (Variation ID: 1699481). Advanced modeling of protein sequence and biophysical properties (such as structural, functional, and spatial information, amino acid conservation, physicochemical variation, residue mobility, and thermodynamic stability) performed at Invitae indicates that this missense variant is not expected to disrupt LAS1L protein function with a negative predictive value of 80%. In summary, the available evidence is currently insufficient to determine the role of this variant in disease. Therefore, it has been classified as a Variant of Uncertain Significance.

NM_031206.7(LAS1L):c.663C>A (p.Asp221Glu)

Gene: LAS1L (LAS1 like ribosome biogenesis factor; minus strand). Cytogenetic location: Xq12.
Variant type: single nucleotide variant.
Coding change: c.663C>A on transcript NM_031206.7 (MANE Select); coding-DNA position 663, C replaced by A.
Protein change: p.Asp221Glu; replaces aspartic acid 221 with glutamic acid.
Molecular consequence: missense variant. On other transcripts: 5 prime UTR variant (1), non-coding transcript variant (1).
Genome position (GRCh38, 1-based): chrX:65,529,730, G>T on the plus strand (C>A on the coding strand, the complement: LAS1L is on the minus strand). VCF-style: chrX-65529730-G-T. GRCh37 (hg19) VCF-style: chrX-64749610-G-T.
Other names: c.663C>A, p.Asp221Glu (NM_001170649.2, NM_001375328.1, NM_001375329.1 and 7 more transcripts); c.537C>A, p.Asp179Glu (NM_001170650.2); c.-134C>A (NM_001375332.1); short protein forms D179E, D221E.
Identifiers: ClinVar variation 1699481 (VCV001699481.11), dbSNP rs778389447, ClinGen allele CA329971537.